The following is an entry in ClinVar:

NM_153704.6(TMEM67):c.245C>G (p.Pro82Arg)

Gene: TMEM67 (transmembrane protein 67; plus strand). Cytogenetic location: 8q22.1.
Variant type: single nucleotide variant.
Coding change: c.245C>G on transcript NM_153704.6 (MANE Select); coding-DNA position 245, C replaced by G.
Protein change: p.Pro82Arg; replaces proline 82 with arginine.
Molecular consequence: missense variant. On other transcripts: non-coding transcript variant (1), intron variant (1).
Genome position (GRCh38, 1-based): chr8:93,755,799, C>G. VCF-style: chr8-93755799-C-G. GRCh37 (hg19) VCF-style: chr8-94768027-C-G.
Other names: c.-62+662C>G (NM_001142301.1); short protein forms P82R.
Identifiers: ClinVar variation 217714 (VCV000217714.6), dbSNP rs772437766, ClinGen allele CA277696.
Genomic context (GRCh38, chr8:93,755,799, plus strand): 5'-GGATAAAATTGGCTTTTTTTTTTTTTTTTTTTTTTTTAGGAACTTCATGTGTATGTCTAC[C>G]AGGATTTCAGATGATCTCTAATAATGGAGGACCTGCTATTATTTGTAAAAAGTGCCCAGA-3'
Protein context (NP_714915.3, residues 72-92): DARGTSCVCL[Pro82Arg]GFQMISNNGG

ClinVar aggregate classification (germline): Conflicting classifications of pathogenicity. Review status: criteria provided, conflicting classifications (1 of 4 stars). 4 submissions from 4 submitters: Pathogenic (3); Uncertain significance (1). Last evaluated 2023-01-31.

Conditions:
Meckel-Gruber syndrome. Also called: Dysencephalia splachnocystica; DYSENCEPHALIA SPLANCHNOCYSTICA; GRUBER SYNDROME. Identifiers: Orphanet 564, MedGen C0265215, MONDO:0018921.
Joubert syndrome. Also called: CEREBELLOPARENCHYMAL DISORDER IV; JOUBERT-BOLTSHAUSER SYNDROME; Familial aplasia of the vermis. Identifiers: Orphanet 475, MedGen C5979921, MONDO:0018772.
Joubert syndrome 6 (JBTS6). Identifiers: Orphanet 475, MedGen C1853153, MONDO:0012539, OMIM 610688.

gnomAD v4.1: 1 of 1,417,660 alleles (0.000071%); highest among the groups gnomAD compares: Non-Finnish European, 0.000097%; no homozygotes.

Submissions (4):

Labcorp Genetics (formerly Invitae), Labcorp
Classification: Pathogenic for Joubert syndrome; Meckel-Gruber syndrome. Last evaluated: 2023-01-31. Review status: criteria provided, single submitter. Criteria: Invitae Variant Classification Sherloc (09022015). Collection method: clinical testing. Allele origin: germline.
Comment: This sequence change replaces proline, which is neutral and non-polar, with arginine, which is basic and polar, at codon 82 of the TMEM67 protein (p.Pro82Arg). For these reasons, this variant has been classified as Pathogenic. This variant disrupts the p.Pro82 amino acid residue in TMEM67. Other variant(s) that disrupt this residue have been observed in individuals with TMEM67-related conditions (PMID: 19574260, 29568536), which suggests that this may be a clinically significant amino acid residue. Advanced modeling of protein sequence and biophysical properties (such as structural, functional, and spatial information, amino acid conservation, physicochemical variation, residue mobility, and thermodynamic stability) performed at Invitae indicates that this missense variant is expected to disrupt TMEM67 protein function. ClinVar contains an entry for this variant (Variation ID: 217714). This missense change has been observed in individual(s) with TMEM67-related conditions (PMID: 19574260, 29568536). This variant is not present in population databases (gnomAD no frequency).

SIB Swiss Institute of Bioinformatics
Classification: Uncertain significance for Joubert syndrome 6. Last evaluated: 2018-05-31. Review status: criteria provided, single submitter. Criteria: ACMG Guidelines, 2015. Collection method: curation. Allele origin: unknown.
Comment: This variant is interpreted as a Uncertain Significance - Insufficient Evidence, for Joubert syndrome 6, in Autosomal Recessive manner. The following ACMG Tag(s) were applied: PM2 => Absent from controls (or at extremely low frequency if recessive) in Exome Sequencing Project, 1000 Genomes Project, or Exome Aggregation Consortium. PM3 => For recessive disorders, detected in trans with a pathogenic variant (PMID:19574260).

GeneDx
Classification: Pathogenic. Last evaluated: 2015-09-17. Review status: criteria provided, single submitter. Criteria: GeneDx Variant Classification (06012015). Collection method: clinical testing. Allele origin: germline. Affected: yes.
Comment: The P82R variant has been reported previously in combination with the M252T variant in individuals withCOACH syndrome and Joubert syndrome related disorder (JSRD) without clinically apparent liver disease(Doherty et al., 2010). It was not observed in approximately 6,500 individuals of European and AfricanAmerican ancestry in the NHLBI Exome Sequencing Project, indicating it is not a common benign variant inthese populations. The P82R variant is a non-conservative amino acid substitution, which is likely to impactsecondary protein structure as these residues differ in polarity, charge, size and/or other properties. Thissubstitution occurs at a position that is conserved across species. Additionally, a different missense variant atthe same residue (P82S) and in a nearby residue (N90K) have been reported in association with TMEM67-related disorders, supporting the functional importance of this region of the protein (Doherty et al., 2010;Iannicelli et al., 2010). We interpret P82R as a pathogenic variant.

UW Hindbrain Malformation Research Program, University of Washington
Classification: Pathogenic for Joubert syndrome 6. Last evaluated: 2015-02-23. Review status: criteria provided, single submitter. Criteria: Bachmann-Gagescu et al. (J Med Genet. 2015). Collection method: research. Allele origin: unknown. Affected: yes.

Literature cited by the submitters: PubMed 19574260 (cited by Labcorp Genetics (formerly Invitae), Labcorp and SIB Swiss Institute of Bioinformatics); PubMed 29568536 (cited by Labcorp Genetics (formerly Invitae), Labcorp).